The following is an entry in ClinVar:

NM_001386795.1(DTNA):c.362+129A>G

Gene: DTNA (dystrobrevin alpha; plus strand). Cytogenetic location: 18q12.1.
Variant type: single nucleotide variant.
Coding change: c.362+129A>G on transcript NM_001386795.1 (MANE Select); 129 bases into the intron after coding-DNA position 362, A replaced by G.
Molecular consequence: intron variant.
Genome position (GRCh38, 1-based): chr18:34,794,379, A>G. VCF-style: chr18-34794379-A-G. GRCh37 (hg19) VCF-style: chr18-32374343-A-G.
Other names: NC_000018.9:g.32374343A>G; c.362+129A>G (NM_032975.4, NM_001386761.1, NM_001386762.1 and 35 more transcripts).
Identifiers: ClinVar variation 674343 (VCV000674343.2), dbSNP rs79500711, ClinGen allele CA298588028.

ClinVar aggregate classification (germline): Benign (1 of 4 stars; one submission).

Allele frequency attached by ClinVar (database versions not stated): 1000 Genomes Project 0.04712; 1000 Genomes Project 30x 0.04763; TOPMed 0.06957; gnomAD 0.07115.
gnomAD v4.1: 87,518 of 1,018,154 alleles (8.6%); highest among the groups gnomAD compares: Admixed American, 13%; 4,446 homozygotes.

Submissions (5):

GeneDx
Classification: Benign. Last evaluated: 2018-06-19. Review status: criteria provided, single submitter. Criteria: GeneDx Variant Classification (06012015). Collection method: clinical testing. Allele origin: germline. Affected: yes.
Comment: This variant is considered likely benign or benign based on one or more of the following criteria: it is a conservative change, it occurs at a poorly conserved position in the protein, it is predicted to be benign by multiple in silico algorithms, and/or has population frequency not consistent with disease.

Dr. Peter K. Rogan Lab, Western University
No classification provided (evidence only). Condition: Cholangiocarcinoma. Review status: no classification provided. Collection method: in vitro. Allele origin: not applicable. Functional consequence: retained intron. Not counted in ClinVar's aggregate classification.

Dr. Peter K. Rogan Lab, Western University
No classification provided (evidence only). Condition: Cholangiocarcinoma. Review status: no classification provided. Collection method: in vitro. Allele origin: not applicable. Functional consequence: retained intron. Not counted in ClinVar's aggregate classification.

Dr. Peter K. Rogan Lab, Western University
No classification provided (evidence only). Condition: Gastric cancer. Review status: no classification provided. Collection method: in vitro. Allele origin: not applicable. Functional consequence: retained intron. Not counted in ClinVar's aggregate classification.

Dr. Peter K. Rogan Lab, Western University
No classification provided (evidence only). Condition: Gastric cancer. Review status: no classification provided. Collection method: in vitro. Allele origin: not applicable. Functional consequence: retained intron. Not counted in ClinVar's aggregate classification.